The following is an entry in ClinVar:

NM_004360.5(CDH1):c.2561A>C (p.Asp854Ala)

Gene: CDH1 (cadherin 1; plus strand). Cytogenetic location: 16q22.1.
Variant type: single nucleotide variant.
Coding change: c.2561A>C on transcript NM_004360.5 (MANE Select); coding-DNA position 2561, A replaced by C.
Protein change: p.Asp854Ala; replaces aspartic acid 854 with alanine.
Molecular consequence: missense variant.
Genome position (GRCh38, 1-based): chr16:68,833,411, A>C. VCF-style: chr16-68833411-A-C. GRCh37 (hg19) VCF-style: chr16-68867314-A-C.
Other names: c.2378A>C, p.Asp793Ala (NM_001317184.2); c.1013A>C, p.Asp338Ala (NM_001317185.2); c.596A>C, p.Asp199Ala (NM_001317186.2); short protein forms D199A, D793A, D338A, D854A.
Identifiers: ClinVar variation 942214 (VCV000942214.11), dbSNP rs1961541103, ClinGen allele CA396472461.

ClinVar aggregate classification (germline): Uncertain significance. Review status: criteria provided, multiple submitters, no conflicts (2 of 4 stars). 2 submissions from 2 submitters: Uncertain significance (2). Last evaluated 2023-05-21.

Conditions:
Hereditary cancer-predisposing syndrome. Also called: Neoplastic Syndromes, Hereditary; Hereditary neoplastic syndrome; Hereditary Cancer Syndrome; Tumor predisposition. Identifiers: Orphanet 140162, MedGen C0027672, MeSH D009386, MONDO:0015356.
Hereditary diffuse gastric adenocarcinoma (HDGC). Also called: DIFFUSE GASTRIC AND LOBULAR BREAST CANCER SYNDROME. Identifiers: Orphanet 26106, MedGen C1708349, MONDO:0007648, OMIM 137215.

Submissions (2):

Ambry Genetics
Classification: Uncertain significance for Hereditary cancer-predisposing syndrome. Last evaluated: 2023-05-21. Review status: criteria provided, single submitter. Criteria: Ambry Variant Classification Scheme 2023. Collection method: clinical testing. Allele origin: germline.
Comment: The p.D854A variant (also known as c.2561A>C), located in coding exon 16 of the CDH1 gene, results from an A to C substitution at nucleotide position 2561. The aspartic acid at codon 854 is replaced by alanine, an amino acid with dissimilar properties. This amino acid position is conserved. In addition, the in silico prediction for this alteration is inconclusive. Since supporting evidence is limited at this time, the clinical significance of this alteration remains unclear.

Labcorp Genetics (formerly Invitae), Labcorp
Classification: Uncertain significance for Hereditary diffuse gastric adenocarcinoma. Last evaluated: 2022-02-23. Review status: criteria provided, single submitter. Criteria: Invitae Variant Classification Sherloc (09022015). Collection method: clinical testing. Allele origin: germline.
Comment: This sequence change replaces aspartic acid, which is acidic and polar, with alanine, which is neutral and non-polar, at codon 854 of the CDH1 protein (p.Asp854Ala). This variant is not present in population databases (gnomAD no frequency). This variant has not been reported in the literature in individuals affected with CDH1-related conditions. ClinVar contains an entry for this variant (Variation ID: 942214). Algorithms developed to predict the effect of missense changes on protein structure and function are either unavailable or do not agree on the potential impact of this missense change (SIFT: "Tolerated"; PolyPhen-2: "Probably Damaging"; Align-GVGD: "Class C0"). In summary, the available evidence is currently insufficient to determine the role of this variant in disease. Therefore, it has been classified as a Variant of Uncertain Significance.